The following is an entry in ClinVar:

NM_003848.4(SUCLG2):c.959T>C (p.Ile320Thr)

Gene: SUCLG2 (succinate-CoA ligase GDP-forming subunit beta; minus strand). Cytogenetic location: 3p14.1.
Variant type: single nucleotide variant.
Coding change: c.959T>C on transcript NM_003848.4 (MANE Select); coding-DNA position 959, T replaced by C.
Protein change: p.Ile320Thr; replaces isoleucine 320 with threonine.
Molecular consequence: missense variant.
Genome position (GRCh38, 1-based): chr3:67,495,901, A>G on the plus strand (T>C on the coding strand, the complement: SUCLG2 is on the minus strand). VCF-style: chr3-67495901-A-G. GRCh37 (hg19) VCF-style: chr3-67546325-A-G.
Other names: c.959T>C, p.Ile320Thr (NM_001177599.2); c.959T>C (NM_001177599.1); short protein forms I320T.
Identifiers: ClinVar variation 2062177 (VCV002062177.5), dbSNP rs764123964, ClinGen allele CA2485834.

ClinVar aggregate classification (germline): Uncertain significance. Review status: criteria provided, multiple submitters, no conflicts (2 of 4 stars). 2 submissions from 2 submitters: Uncertain significance (2). Last evaluated 2024-09-11.

Allele frequency attached by ClinVar (database versions not stated): gnomAD 0.00003; gnomAD exomes 0.00001; ExAC 0.00002; TOPMed 0.00004.
gnomAD v4.1: 22 of 1,613,916 alleles (0.0014%); highest among the groups gnomAD compares: Admixed American, 0.005%; no homozygotes.

Submissions (2):

Ambry Genetics
Classification: Uncertain significance. Last evaluated: 2024-09-11. Review status: criteria provided, single submitter. Criteria: Ambry Variant Classification Scheme 2023. Collection method: clinical testing. Allele origin: germline.

Labcorp Genetics (formerly Invitae), Labcorp
Classification: Uncertain significance. Last evaluated: 2024-07-16. Review status: criteria provided, single submitter. Criteria: Invitae Variant Classification Sherloc (09022015). Collection method: clinical testing. Allele origin: germline.
Comment: This sequence change replaces isoleucine, which is neutral and non-polar, with threonine, which is neutral and polar, at codon 320 of the SUCLG2 protein (p.Ile320Thr). This variant is present in population databases (rs764123964, gnomAD 0.01%). This variant has not been reported in the literature in individuals affected with SUCLG2-related conditions. ClinVar contains an entry for this variant (Variation ID: 2062177). An algorithm developed to predict the effect of missense changes on protein structure and function (PolyPhen-2) suggests that this variant is likely to be disruptive. In summary, the available evidence is currently insufficient to determine the role of this variant in disease. Therefore, it has been classified as a Variant of Uncertain Significance.